The following is an entry in ClinVar:

ClinVar aggregate classification (germline): Uncertain significance (1 of 4 stars; one submission).

Conditions:
Familial temporal lobe epilepsy 7. Identifiers: Orphanet 101046, MedGen C4225327, MONDO:0014639, OMIM 616436.
Norman-Roberts syndrome (LIS2). Also called: Lissencephaly 2 (Norman-Roberts type). Identifiers: Orphanet 89844, MedGen C0796089, MONDO:0009760, OMIM 257320.

gnomAD v4.1: 1 of 1,614,118 alleles (0.000062%); highest among the groups gnomAD compares: Non-Finnish European, 0.000085%; no homozygotes.

Submission:

Labcorp Genetics (formerly Invitae), Labcorp
Classification: Uncertain significance for Familial temporal lobe epilepsy 7; Norman-Roberts syndrome. Last evaluated: 2024-05-02. Review status: criteria provided, single submitter. Criteria: Invitae Variant Classification Sherloc (09022015). Collection method: clinical testing. Allele origin: germline.
Comment: This sequence change replaces tyrosine, which is neutral and polar, with cysteine, which is neutral and slightly polar, at codon 1433 of the RELN protein (p.Tyr1433Cys). This variant is not present in population databases (gnomAD no frequency). This variant has not been reported in the literature in individuals affected with RELN-related conditions. Advanced modeling of protein sequence and biophysical properties (such as structural, functional, and spatial information, amino acid conservation, physicochemical variation, residue mobility, and thermodynamic stability) performed at Invitae indicates that this missense variant is not expected to disrupt RELN protein function with a negative predictive value of 80%. In summary, the available evidence is currently insufficient to determine the role of this variant in disease. Therefore, it has been classified as a Variant of Uncertain Significance.

NM_005045.4(RELN):c.4298A>G (p.Tyr1433Cys)

Gene: RELN (reelin; minus strand). Cytogenetic location: 7q22.1.
Variant type: single nucleotide variant.
Coding change: c.4298A>G on transcript NM_005045.4 (MANE Select); coding-DNA position 4298, A replaced by G.
Protein change: p.Tyr1433Cys; replaces tyrosine 1433 with cysteine.
Molecular consequence: missense variant.
Genome position (GRCh38, 1-based): chr7:103,575,553, T>C on the plus strand (A>G on the coding strand, the complement: RELN is on the minus strand). VCF-style: chr7-103575553-T-C. GRCh37 (hg19) VCF-style: chr7-103216000-T-C.
Other names: c.4298A>G, p.Tyr1433Cys (NM_173054.3); short protein forms Y1433C.
Identifiers: ClinVar variation 3756071 (VCV003756071.2).
Genomic context (GRCh38, chr7:103,575,553, plus strand): 5'-AACTAGAGATGACTATTTTACAATAAAACCCTCAGACACATGTATTTAGCCTTACCAGTA[T>C]ATCCCAGGTCACAGAAACACACTCCTGAAATGCAGTCCCCATGGCCACTGCAGTAACTGG-3'
Protein context (NP_005036.2, residues 1423-1443): ISGVCFCDLG[Tyr1433Cys]TAAQGTCVSN